The following is an entry in ClinVar:

NM_000059.4(BRCA2):c.3531C>T (p.Asp1177=)

Gene: BRCA2 (BRCA2 DNA repair associated; plus strand). Cytogenetic location: 13q13.1.
Variant type: single nucleotide variant.
Coding change: c.3531C>T on transcript NM_000059.4 (MANE Select); coding-DNA position 3531, C replaced by T.
Protein change: p.Asp1177=; no amino-acid change (aspartic acid 1177 retained).
Molecular consequence: synonymous variant.
Genome position (GRCh38, 1-based): chr13:32,337,886, C>T. VCF-style: chr13-32337886-C-T. GRCh37 (hg19) VCF-style: chr13-32912023-C-T.
Identifiers: ClinVar variation 384188 (VCV000384188.13), dbSNP rs1057521890, ClinGen allele CA16606679.

ClinVar aggregate classification (germline): Likely benign. Review status: criteria provided, multiple submitters, no conflicts (2 of 4 stars). 3 submissions from 3 submitters: Likely benign (3). Last evaluated 2025-11-05.

Conditions:
Hereditary cancer-predisposing syndrome. Also called: Hereditary Cancer Syndrome; Hereditary neoplastic syndrome; Neoplastic Syndromes, Hereditary; Tumor predisposition. Identifiers: Orphanet 140162, MedGen C0027672, MeSH D009386, MONDO:0015356.
Hereditary breast ovarian cancer syndrome. Also called: Hereditary breast and ovarian cancer syndrome; Hereditary breast and ovarian cancer; Breast and ovarian cancer; BRCA1- and BRCA2-Associated Hereditary Breast and Ovarian Cancer; Hereditary breast and/or ovarian cancer syndrome; Hereditary breast and ovarian cancer syndrome (HBOC). Identifiers: Orphanet 145, MedGen C0677776, MeSH D061325, MONDO:0003582. Disease mechanism: loss of function.

Submissions (3):

Labcorp Genetics (formerly Invitae), Labcorp
Classification: Likely benign for Hereditary breast ovarian cancer syndrome. Last evaluated: 2025-11-05. Review status: criteria provided, single submitter. Criteria: Invitae Variant Classification Sherloc (09022015). Collection method: clinical testing. Allele origin: germline.

Ambry Genetics
Classification: Likely benign for Hereditary cancer-predisposing syndrome. Last evaluated: 2016-07-06. Review status: criteria provided, single submitter. Criteria: Ambry Variant Classification Scheme 2023. Collection method: clinical testing. Allele origin: germline.

GeneDx
Classification: Likely benign. Last evaluated: 2016-02-26. Review status: criteria provided, single submitter. Criteria: GeneDx Variant Classification (06012015). Collection method: clinical testing. Allele origin: germline. Affected: yes.
Comment: This variant is considered likely benign or benign based on one or more of the following criteria: it is a conservative change, it occurs at a poorly conserved position in the protein, it is predicted to be benign by multiple in silico algorithms, and/or has population frequency not consistent with disease.